The following is an entry in ClinVar:

ClinVar aggregate classification (germline): Uncertain significance (1 of 4 stars; one submission).

Submission:

Labcorp Genetics (formerly Invitae), Labcorp
Classification: Uncertain significance. Last evaluated: 2023-04-19. Review status: criteria provided, single submitter. Criteria: Invitae Variant Classification Sherloc (09022015). Collection method: clinical testing. Allele origin: germline.
Comment: This sequence change creates a premature translational stop signal (p.Gln1944*) in the CACNA1E gene. It is expected to result in an absent or disrupted protein product. However, the current clinical and genetic evidence is not sufficient to establish whether loss-of-function variants in CACNA1E cause disease. This variant is not present in population databases (gnomAD no frequency). This variant has not been reported in the literature in individuals affected with CACNA1E-related conditions. In summary, the available evidence is currently insufficient to determine the role of this variant in disease. Therefore, it has been classified as a Variant of Uncertain Significance.

NM_001205293.3(CACNA1E):c.5830C>T (p.Gln1944Ter)

Gene: CACNA1E (calcium voltage-gated channel subunit alpha1 E; plus strand). Cytogenetic location: 1q25.3.
Variant type: single nucleotide variant.
Coding change: c.5830C>T on transcript NM_001205293.3 (MANE Select); coding-DNA position 5830, C replaced by T.
Protein change: p.Gln1944Ter; replaces glutamine 1944 with a stop codon.
Molecular consequence: nonsense.
Genome position (GRCh38, 1-based): chr1:181,790,488, C>T. VCF-style: chr1-181790488-C-T. GRCh37 (hg19) VCF-style: chr1-181759624-C-T.
Other names: c.5830C>T, p.Gln1944Ter (NM_000721.4); c.5773C>T, p.Gln1925Ter (NM_001205294.2); short protein forms Q1925*, Q1944*.
Identifiers: ClinVar variation 2857604 (VCV002857604.3), dbSNP rs2102869713, ClinGen allele CA343631962.